The following is an entry in ClinVar:

NM_000127.3(EXT1):c.60G>T (p.Leu20Phe)

Gene: EXT1 (exostosin glycosyltransferase 1; minus strand). Cytogenetic location: 8q24.11.
Variant type: single nucleotide variant.
Coding change: c.60G>T on transcript NM_000127.3 (MANE Select); coding-DNA position 60, G replaced by T.
Protein change: p.Leu20Phe; replaces leucine 20 with phenylalanine.
Molecular consequence: missense variant.
Genome position (GRCh38, 1-based): chr8:118,110,987, C>A on the plus strand (G>T on the coding strand, the complement: EXT1 is on the minus strand). VCF-style: chr8-118110987-C-A. GRCh37 (hg19) VCF-style: chr8-119123226-C-A.
Other names: short protein forms L20F.
Identifiers: ClinVar variation 961420 (VCV000961420.9), dbSNP rs1817893321, ClinGen allele CA371916687.

ClinVar aggregate classification (germline): Uncertain significance (1 of 4 stars; one submission).

Conditions:
Multiple congenital exostosis (EXT). Also called: Multiple exostoses; Hereditary multiple osteochondromas; Hereditary multiple exostoses; Hereditary multiple exostosis; Multiple osteochondromas; MULTIPLE CARTILAGINOUS EXOSTOSES. Identifiers: Orphanet 321, MedGen C0015306, MONDO:0005508, HP:0002762.

Submission:

Labcorp Genetics (formerly Invitae), Labcorp
Classification: Uncertain significance for Multiple congenital exostosis. Last evaluated: 2019-08-28. Review status: criteria provided, single submitter. Criteria: Invitae Variant Classification Sherloc (09022015). Collection method: clinical testing. Allele origin: germline.
Comment: In summary, the available evidence is currently insufficient to determine the role of this variant in disease. Therefore, it has been classified as a Variant of Uncertain Significance. This sequence change replaces leucine with phenylalanine at codon 20 of the EXT1 protein (p.Leu20Phe). The leucine residue is moderately conserved and there is a small physicochemical difference between leucine and phenylalanine. This variant is not present in population databases (ExAC no frequency). This variant has not been reported in the literature in individuals with EXT1-related conditions. Algorithms developed to predict the effect of missense changes on protein structure and function are either unavailable or do not agree on the potential impact of this missense change (SIFT: "Tolerated"; PolyPhen-2: "Possibly Damaging"; Align-GVGD: "Class C0").